The following is an entry in ClinVar:

NM_001077365.2(POMT1):c.1799G>T (p.Arg600Leu)

Gene: POMT1 (protein O-mannosyltransferase 1; plus strand). Cytogenetic location: 9q34.13.
Variant type: single nucleotide variant.
Coding change: c.1799G>T on transcript NM_001077365.2 (MANE Select); coding-DNA position 1799, G replaced by T.
Protein change: p.Arg600Leu; replaces arginine 600 with leucine.
Molecular consequence: missense variant. On other transcripts: non-coding transcript variant (10).
Genome position (GRCh38, 1-based): chr9:131,521,446, G>T. VCF-style: chr9-131521446-G-T. GRCh37 (hg19) VCF-style: chr9-134396833-G-T.
Other names: c.1637G>T, p.Arg546Leu (NM_001077366.2, NM_001353194.2); c.1799G>T, p.Arg600Leu (NM_001136113.2); c.1448G>T, p.Arg483Leu (NM_001136114.2, NM_001353195.2, NM_001374691.1 and 2 more transcripts); c.1865G>T, p.Arg622Leu (NM_001353193.2, NM_007171.4); c.1709G>T, p.Arg570Leu (NM_001353196.2); c.1703G>T, p.Arg568Leu (NM_001353197.2, NM_001353198.2); c.1514G>T, p.Arg505Leu (NM_001353199.2); c.1343G>T, p.Arg448Leu (NM_001353200.2); and 3 more; short protein forms R622L, R546L, R600L, R505L, R568L, R570L, R483L, R448L.
Identifiers: ClinVar variation 373779 (VCV000373779.6), dbSNP rs753485021, ClinGen allele CA5293830.
Genomic context (GRCh38, chr9:131,521,446, plus strand): 5'-CGGGCAGCCTCGCTCTGGCCATCTACGCCCTGCTGTCCTTGTGGTACCTGCTCCGACGGC[G>T]AAGAAATGTCCATGACCTCCCTCAGGGTTAGTACCTCTCCCACATGGCTTTCTTTCTTTT-3'
Protein context (NP_001070833.1, residues 590-610): LLSLWYLLRR[Arg600Leu]RNVHDLPQDA

ClinVar aggregate classification (germline): Uncertain significance. Review status: criteria provided, multiple submitters, no conflicts (2 of 4 stars). 4 submissions from 4 submitters: Uncertain significance (4). Last evaluated 2025-11-03.

Conditions:
Inborn genetic diseases. Identifiers: MedGen C0950123, MeSH D030342.
Muscular dystrophy-dystroglycanopathy (congenital with impaired intellectual development), type B, 1. Also called: Muscular dystrophy-dystroglycanopathy (congenital with intellectual disability), type B1; MUSCULAR DYSTROPHY, CONGENITAL, POMT1-RELATED. Identifiers: MedGen C5436962, MONDO:0013159, OMIM 613155.
Walker-Warburg congenital muscular dystrophy. Also called: Muscular dystrophy-dystroglycanopathy, type A; Walker-Warburg syndrome. Identifiers: Orphanet 899, MedGen C0265221, MONDO:0000171.
Autosomal recessive limb-girdle muscular dystrophy type 2K. Also called: MUSCULAR DYSTROPHY-DYSTROGLYCANOPATHY (LIMB-GIRDLE), TYPE C, 1; MUSCULAR DYSTROPHY, LIMB-GIRDLE, TYPE 2K. Identifiers: Orphanet 86812, MedGen C1836373, MONDO:0012248, OMIM 609308.
Muscular dystrophy-dystroglycanopathy (congenital with brain and eye anomalies), type A1 (MDDGA1). Also called: COD-MD SYNDROME; Muscular dystrophy-dystroglycanopathy (congenital with brain and eye anomalies), type A, 1; WALKER-WARBURG SYNDROME OR MUSCLE-EYE-BRAIN DISEASE, POMT1-RELATED; Hydrocephalus, agyria and retinal dysplasia; Hard +/- E syndrome; Warburg syndrome. Identifiers: Orphanet 588, Orphanet 899, MedGen C4284790, MONDO:0009364, OMIM 236670.

Allele frequency attached by ClinVar (database versions not stated): TOPMed 0.00002.

Submissions (4):

Ambry Genetics
Classification: Uncertain significance for Inborn genetic diseases. Last evaluated: 2025-11-03. Review status: criteria provided, single submitter. Criteria: Ambry Variant Classification Scheme 2023. Collection method: clinical testing. Allele origin: germline.

Labcorp Genetics (formerly Invitae), Labcorp
Classification: Uncertain significance for Muscular dystrophy-dystroglycanopathy (congenital with impaired intellectual development), type B, 1; Walker-Warburg congenital muscular dystrophy; Autosomal recessive limb-girdle muscular dystrophy type 2K. Last evaluated: 2024-01-24. Review status: criteria provided, single submitter. Criteria: Invitae Variant Classification Sherloc (09022015). Collection method: clinical testing. Allele origin: germline.
Comment: This sequence change replaces arginine, which is basic and polar, with leucine, which is neutral and non-polar, at codon 622 of the POMT1 protein (p.Arg622Leu). This variant is present in population databases (rs753485021, gnomAD 0.008%). This variant has not been reported in the literature in individuals affected with POMT1-related conditions. ClinVar contains an entry for this variant (Variation ID: 373779). Advanced modeling of protein sequence and biophysical properties (such as structural, functional, and spatial information, amino acid conservation, physicochemical variation, residue mobility, and thermodynamic stability) has been performed at Invitae for this missense variant, however the output from this modeling did not meet the statistical confidence thresholds required to predict the impact of this variant on POMT1 protein function. In summary, the available evidence is currently insufficient to determine the role of this variant in disease. Therefore, it has been classified as a Variant of Uncertain Significance.

Fulgent Genetics
Classification: Uncertain significance for Muscular dystrophy-dystroglycanopathy (congenital with brain and eye anomalies), type A1; Autosomal recessive limb-girdle muscular dystrophy type 2K; Muscular dystrophy-dystroglycanopathy (congenital with impaired intellectual development), type B, 1. Last evaluated: 2021-08-02. Review status: criteria provided, single submitter. Criteria: ACMG Guidelines, 2015. Collection method: clinical testing. Allele origin: unknown.

GeneDx
Classification: Uncertain significance. Last evaluated: 2016-12-16. Review status: criteria provided, single submitter. Criteria: GeneDx Variant Classification (06012015). Collection method: clinical testing. Allele origin: germline. Affected: yes.
Comment: A variant of uncertain significance has been identified in the POMT1 gene. The R622L variant has not been published as a pathogenic variant, nor has it been reported as a benign variant to our knowledge. The R622L variant is not observed at a significant frequency in large population cohorts (Lek et al., 2016; 1000 Genomes Consortium et al., 2015; Exome Variant Server. The R622L variant is a non-conservative amino acid substitution, which is likely to impact secondary protein structure as these residues differ in polarity, charge, size and/or other properties. This substitution occurs at a position that is conserved across species and in silico analysis predicts this variant is probably damaging to the protein structure/function. Additionally, missense variants in nearby residues (R620P and R623T ) have been reported in Human Gene Mutation Database in association with POMT1-related disorders (Stenson et al., 2014), supporting the functional importance of this region of the protein.. Based on the currently available information, it is unclear whether this variant is a pathogenic variant or a rare benign variant.